The following is an entry in ClinVar:

ClinVar aggregate classification (germline): Benign/Likely benign. Review status: criteria provided, multiple submitters, no conflicts (2 of 4 stars). 3 submissions from 3 submitters: Benign (1); Likely benign (2). Last evaluated 2025-06-25.

Conditions:
Hereditary cancer-predisposing syndrome. Also called: Neoplastic Syndromes, Hereditary; Hereditary neoplastic syndrome; Tumor predisposition; Hereditary Cancer Syndrome. Identifiers: Orphanet 140162, MedGen C0027672, MeSH D009386, MONDO:0015356.
Fanconi anemia complementation group J. Also called: BRIP1-Related Fanconi Anemia. Identifiers: Orphanet 84, MedGen C1836860, MONDO:0012187, OMIM 609054.
Familial cancer of breast. Also called: Hereditary breast cancer; hereditary breast carcinoma; BREAST CANCER, FAMILIAL. Identifiers: Orphanet 227535, MedGen C0346153, MONDO:0016419, OMIM 114480. Disease mechanism: loss of function.

Allele frequency attached by ClinVar (database versions not stated): gnomAD exomes below 0.00001.
gnomAD v4.1: 4 of 1,614,140 alleles (0.00025%); highest among the groups gnomAD compares: East Asian, 0.0022%; no homozygotes.

Submissions (3):

Labcorp Genetics (formerly Invitae), Labcorp
Classification: Likely benign for Familial cancer of breast; Fanconi anemia complementation group J. Last evaluated: 2025-06-25. Review status: criteria provided, single submitter. Criteria: Invitae Variant Classification Sherloc (09022015). Collection method: clinical testing. Allele origin: germline.

Myriad Genetics, Inc.
Classification: Benign for Familial cancer of breast. Last evaluated: 2024-09-09. Review status: criteria provided, single submitter. Criteria: Myriad Autosomal Dominant, Autosomal Recessive and X-Linked Classification Criteria (2023). Collection method: clinical testing. Allele origin: unknown.
Comment: This variant is considered benign. This variant is a silent/synonymous amino acid change and it is not expected to impact splicing.

Ambry Genetics
Classification: Likely benign for Hereditary cancer-predisposing syndrome. Last evaluated: 2022-07-28. Review status: criteria provided, single submitter. Criteria: Ambry Variant Classification Scheme 2023. Collection method: clinical testing. Allele origin: germline.

NM_032043.3(BRIP1):c.3165C>G (p.Ser1055=)

Gene: BRIP1 (BRCA1 interacting DNA helicase 1; minus strand). Cytogenetic location: 17q23.2.
Variant type: single nucleotide variant.
Coding change: c.3165C>G on transcript NM_032043.3 (MANE Select); coding-DNA position 3165, C replaced by G.
Protein change: p.Ser1055=; no amino-acid change (serine 1055 retained).
Molecular consequence: synonymous variant.
Genome position (GRCh38, 1-based): chr17:61,683,881, G>C on the plus strand (C>G on the coding strand, the complement: BRIP1 is on the minus strand). VCF-style: chr17-61683881-G-C. GRCh37 (hg19) VCF-style: chr17-59761242-G-C.
Identifiers: ClinVar variation 792456 (VCV000792456.14), dbSNP rs1447544706, ClinGen allele CA501335335.